The following is an entry in ClinVar:

ClinVar aggregate classification (germline): Uncertain significance (1 of 4 stars; one submission).

Allele frequency attached by ClinVar (database versions not stated): TOPMed 0.00001; ExAC 0.00005; gnomAD exomes 0.00005 and 0.00007; ESP Exome Variant Server 0.00023.
gnomAD v4.1: 103 of 1,604,196 alleles (0.0064%); highest among the groups gnomAD compares: South Asian, 0.012%; no homozygotes.

Submission:

Labcorp Genetics (formerly Invitae), Labcorp
Classification: Uncertain significance. Last evaluated: 2025-12-15. Review status: criteria provided, single submitter. Criteria: Invitae Variant Classification Sherloc (09022015). Collection method: clinical testing. Allele origin: germline.
Comment: This sequence change affects codon 2598 of the COL7A1 mRNA. It is a 'silent' change, meaning that it does not change the encoded amino acid sequence of the COL7A1 protein. This variant also falls at the last nucleotide of exon 104, which is part of the consensus splice site for this exon. This variant is present in population databases (rs377067446, gnomAD 0.01%). This variant has not been reported in the literature in individuals affected with COL7A1-related conditions. ClinVar contains an entry for this variant (Variation ID: 1424288). Variants that disrupt the consensus splice site are a relatively common cause of aberrant splicing (PMID: 17576681, 9536098). Algorithms developed to predict the effect of sequence changes on RNA splicing suggest that this variant may disrupt the consensus splice site. In summary, the available evidence is currently insufficient to determine the role of this variant in disease. Therefore, it has been classified as a Variant of Uncertain Significance.

Literature cited by the submitters: PubMed 17576681; PubMed 9536098.

NM_000094.4(COL7A1):c.7794G>A (p.Pro2598=)

Gene: COL7A1 (collagen type VII alpha 1 chain; minus strand). Cytogenetic location: 3p21.31.
Variant type: single nucleotide variant.
Coding change: c.7794G>A on transcript NM_000094.4 (MANE Select); coding-DNA position 7794, G replaced by A.
Protein change: p.Pro2598=; no amino-acid change (proline 2598 retained).
Molecular consequence: synonymous variant.
Genome position (GRCh38, 1-based): chr3:48,568,499, C>T on the plus strand (G>A on the coding strand, the complement: COL7A1 is on the minus strand). VCF-style: chr3-48568499-C-T. GRCh37 (hg19) VCF-style: chr3-48605932-C-T.
Identifiers: ClinVar variation 1424288 (VCV001424288.5), dbSNP rs377067446, ClinGen allele CA2378316.